The following is an entry in ClinVar:

ClinVar aggregate classification (germline): Uncertain significance (1 of 4 stars; one submission).

Conditions:
Hereditary nonpolyposis colorectal neoplasms. Identifiers: MedGen C0009405, MeSH D003123.

Submission:

Labcorp Genetics (formerly Invitae), Labcorp
Classification: Uncertain significance for Hereditary nonpolyposis colorectal neoplasms. Last evaluated: 2018-02-23. Review status: criteria provided, single submitter. Criteria: Invitae Variant Classification Sherloc (09022015). Collection method: clinical testing. Allele origin: germline.
Comment: This variant is not present in population databases (ExAC no frequency). In summary, the available evidence is currently insufficient to determine the role of this variant in disease. Therefore, it has been classified as a Variant of Uncertain Significance. Algorithms developed to predict the effect of missense changes on protein structure and function (SIFT, PolyPhen-2, Align-GVGD) all suggest that this variant is likely to be disruptive, but these predictions have not been confirmed by published functional studies and their clinical significance is uncertain. This variant has not been reported in the literature in individuals with PMS2-related disease. This sequence change replaces proline with arginine at codon 319 of the PMS2 protein (p.Pro319Arg). The proline residue is highly conserved and there is a moderate physicochemical difference between proline and arginine.

NM_000535.7(PMS2):c.956C>G (p.Pro319Arg)

Gene: PMS2 (PMS1 homolog 2, mismatch repair system component; minus strand). Cytogenetic location: 7p22.1.
Variant type: single nucleotide variant.
Coding change: c.956C>G on transcript NM_000535.7 (MANE Select); coding-DNA position 956, C replaced by G.
Protein change: p.Pro319Arg; replaces proline 319 with arginine.
Molecular consequence: missense variant. On other transcripts: non-coding transcript variant (1).
Genome position (GRCh38, 1-based): chr7:5,992,005, G>C on the plus strand (C>G on the coding strand, the complement: PMS2 is on the minus strand). VCF-style: chr7-5992005-G-C. GRCh37 (hg19) VCF-style: chr7-6031636-G-C.
Other names: c.551C>G, p.Pro184Arg (NM_001322003.2, NM_001322004.2, NM_001322005.2 and 2 more transcripts); c.956C>G, p.Pro319Arg (NM_001322006.2, NM_001322014.2); c.638C>G, p.Pro213Arg (NM_001322007.2, NM_001322008.2); c.23C>G, p.Pro8Arg (NM_001322011.2, NM_001322012.2); c.383C>G, p.Pro128Arg (NM_001322013.2); c.647C>G, p.Pro216Arg (NM_001322015.2); short protein forms P319R, P128R, P8R, P213R, P216R, P184R.
Identifiers: ClinVar variation 573139 (VCV000573139.8), dbSNP rs1562651380, ClinGen allele CA366743119.